The following is an entry in ClinVar:

ClinVar aggregate classification (germline): Uncertain significance. Review status: criteria provided, multiple submitters, no conflicts (2 of 4 stars). 2 submissions from 2 submitters: Uncertain significance (2). Last evaluated 2024-11-03.

Conditions:
Charcot-Marie-Tooth disease type 2. Also called: Charcot-Marie-Tooth type 2. Identifiers: Orphanet 64746, MedGen C0270914, MONDO:0018993.

Submissions (2):

Labcorp Genetics (formerly Invitae), Labcorp
Classification: Uncertain significance for Charcot-Marie-Tooth disease type 2. Last evaluated: 2024-11-03. Review status: criteria provided, single submitter. Criteria: Invitae Variant Classification Sherloc (09022015). Collection method: clinical testing. Allele origin: germline.
Comment: This sequence change replaces arginine, which is basic and polar, with serine, which is neutral and polar, at codon 1471 of the KIF1B protein (p.Arg1471Ser). This variant is not present in population databases (gnomAD no frequency). This variant has not been reported in the literature in individuals affected with KIF1B-related conditions. ClinVar contains an entry for this variant (Variation ID: 2624434). An algorithm developed to predict the effect of missense changes on protein structure and function (PolyPhen-2) suggests that this variant is likely to be tolerated. In summary, the available evidence is currently insufficient to determine the role of this variant in disease. Therefore, it has been classified as a Variant of Uncertain Significance.

Ambry Genetics
Classification: Uncertain significance. Last evaluated: 2023-07-05. Review status: criteria provided, single submitter. Criteria: Ambry Variant Classification Scheme 2023. Collection method: clinical testing. Allele origin: germline.
Comment: The p.R1471S variant (also known as c.4413A>T), located in coding exon 40 of the KIF1B gene, results from an A to T substitution at nucleotide position 4413. The arginine at codon 1471 is replaced by serine, an amino acid with dissimilar properties. This amino acid position is conserved. In addition, this alteration is predicted to be tolerated by in silico analysis. Since supporting evidence is limited at this time, the clinical significance of this alteration remains unclear.

NM_001365951.3(KIF1B):c.4551A>T (p.Arg1517Ser)

Gene: KIF1B (kinesin family member 1B; plus strand). Cytogenetic location: 1p36.22.
Variant type: single nucleotide variant.
Coding change: c.4551A>T on transcript NM_001365951.3 (MANE Select); coding-DNA position 4551, A replaced by T.
Protein change: p.Arg1517Ser; replaces arginine 1517 with serine.
Molecular consequence: missense variant.
Genome position (GRCh38, 1-based): chr1:10,365,447, A>T. VCF-style: chr1-10365447-A-T. GRCh37 (hg19) VCF-style: chr1-10425505-A-T.
Other names: c.4551A>T, p.Arg1517Ser (NM_001365952.1); c.4413A>T, p.Arg1471Ser (NM_015074.3); short protein forms R1471S, R1517S.
Identifiers: ClinVar variation 2624434 (VCV002624434.4), dbSNP rs2521913978, ClinGen allele CA338321769.
Genomic context (GRCh38, chr1:10,365,447, plus strand): 5'-GCAGTAGTATTGATCTTCTCAGGTGGAAAAAACCCGCCACTTTTTGCTGCTGCGTGAGAG[A>T]CTTGGTGACAGCATCCCCAAATCCCTGAGCGACTCGTTATCCCCCAGCCTCAGCAGTGGG-3'
Protein context (NP_001352880.1, residues 1507-1527): KTRHFLLLRE[Arg1517Ser]LGDSIPKSLS